The following is an entry in ClinVar:

NM_000395.3(CSF2RB):c.2186C>G (p.Ser729Cys)

Gene: CSF2RB (colony stimulating factor 2 receptor subunit beta; plus strand). Cytogenetic location: 22q12.3.
Variant type: single nucleotide variant.
Coding change: c.2186C>G on transcript NM_000395.3 (MANE Select); coding-DNA position 2186, C replaced by G.
Protein change: p.Ser729Cys; replaces serine 729 with cysteine.
Molecular consequence: missense variant.
Genome position (GRCh38, 1-based): chr22:36,937,994, C>G. VCF-style: chr22-36937994-C-G. GRCh37 (hg19) VCF-style: chr22-37334036-C-G.
Other names: c.2204C>G, p.Ser735Cys (NM_001410827.1); short protein forms S735C, S729C.
Identifiers: ClinVar variation 4692535 (VCV004692535.1).
Genomic context (GRCh38, chr22:36,937,994, plus strand): 5'-CTGGTTATGTCTCCTCTGCAGACCTGGTATTCACCCCAAACTCAGGGGCCTCGTCTGTCT[C>G]CCTAGTTCCCTCTCTGGGCCTCCCCTCAGACCAGACCCCCAGCTTATGTCCTGGGCTGGC-3'
Protein context (NP_000386.1, residues 719-739): FTPNSGASSV[Ser729Cys]LVPSLGLPSD

ClinVar aggregate classification (germline): Uncertain significance (1 of 4 stars; one submission).

gnomAD v4.1: 22 of 1,614,014 alleles (0.0014%); highest among the groups gnomAD compares: African/African-American, 0.025%; no homozygotes.

Submission:

Labcorp Genetics (formerly Invitae), Labcorp
Classification: Uncertain significance. Last evaluated: 2025-07-29. Review status: criteria provided, single submitter. Criteria: Invitae Variant Classification Sherloc (09022015). Collection method: clinical testing. Allele origin: germline.
Comment: This sequence change replaces serine, which is neutral and polar, with cysteine, which is neutral and slightly polar, at codon 729 of the CSF2RB protein (p.Ser729Cys). This variant is present in population databases (rs147430768, gnomAD 0.008%). This variant has not been reported in the literature in individuals affected with CSF2RB-related conditions. Invitae Evidence Modeling of protein sequence and biophysical properties (such as structural, functional, and spatial information, amino acid conservation, physicochemical variation, residue mobility, and thermodynamic stability) indicates that this missense variant is expected to disrupt CSF2RB protein function with a positive predictive value of 80%. In summary, the available evidence is currently insufficient to determine the role of this variant in disease. Therefore, it has been classified as a Variant of Uncertain Significance.